The following is an entry in ClinVar:

NM_001042492.3(NF1):c.170dup (p.Leu58fs)

Gene: NF1 (neurofibromin 1; plus strand). Cytogenetic location: 17q11.2.
Variant type: Duplication.
Coding change: c.170dup on transcript NM_001042492.3 (MANE Select); coding-DNA position 170, one base duplicated (G; older notation c.170dupG).
Protein change: p.Leu58fs; shifts the reading frame from leucine 58.
Molecular consequence: frameshift variant.
Genome position (GRCh38, 1-based): chr17:31,156,092, G duplicated; the last of 2 consecutive G bases (chr17:31,156,091-31,156,092); duplicating either gives the same sequence. VCF-style (leftmost placement, unchanged base first): chr17-31156090-C-CG. GRCh37 (hg19) VCF-style: chr17-29483108-C-CG.
Other names: c.170dup, p.Leu58Profs (NM_000267.4); c.170dup, p.Leu58fs (NM_001128147.3); short protein forms L58fs.
Identifiers: ClinVar variation 3389793 (VCV003389793.14).

ClinVar aggregate classification (germline): Pathogenic (1 of 4 stars; one submission).

Submission:

CeGaT Center for Human Genetics Tuebingen
Classification: Pathogenic. Last evaluated: 2024-09-01. Review status: criteria provided, single submitter. Criteria: CeGaT Center For Human Genetics Tuebingen Variant Classification Criteria Version 2. Collection method: clinical testing. Allele origin: germline. Affected: yes. Observed: 1 variant allele.
Comment: NF1: PVS1, PM2, PS2:Supporting